The following is an entry in ClinVar:

ClinVar aggregate classification (germline): Pathogenic. Review status: reviewed by expert panel (3 of 4 stars). 13 submissions from 13 submitters: Pathogenic (1). 12 of the submissions do not count toward it. Last evaluated 2024-03-15.

Conditions:
Cardiovascular phenotype. Identifiers: MedGen CN230736.
Hereditary hemorrhagic telangiectasia (HHT). Also called: ORW DISEASE; Osler Weber Rendu syndrome; Osler hemorrhagic telangiectasia syndrome; OSLER-RENDU-WEBER DISEASE. Identifiers: Orphanet 774, MedGen C0039445, MONDO:0019180. Disease mechanism: loss of function.
ENG-related disorder. Also called: ENG-related condition; ENG-related disorders.
Telangiectasia, hereditary hemorrhagic, type 1 (HHT1). Also called: Osler Weber Rendu syndrome type 1; ENG-Related Hereditary Hemorrhagic Telangiectasia. Identifiers: Orphanet 774, MedGen C4551861, MONDO:0008535, OMIM 187300. Disease mechanism: loss of function.

Allele frequency attached by ClinVar (database versions not stated): gnomAD exomes below 0.00001.
gnomAD v4.1: 2 of 1,556,040 alleles (0.00013%); highest among the groups gnomAD compares: Non-Finnish European, 0.00017%; no homozygotes.

Submissions 1 to 9 of 13:

ClinGen Hereditary Hemorrhagic Telangiectasia Variant Curation Expert Panel, ClinGen
Classification: Pathogenic for Telangiectasia, hereditary hemorrhagic, type 1. Last evaluated: 2024-03-15. Review status: reviewed by expert panel. Criteria: ClinGen HHT ACMG Specifications ENG V1.1.0. Collection method: curation. Allele origin: germline. Inheritance: Autosomal dominant inheritance.
Comment: The NM_001114753.3: c.991G>A variant in ENG is a missense variant predicted to cause substitution of glycine by serine at amino acid 331 (p.Gly331Ser). This variant is absent from gnomAD v2.1.1 (PM2_Supporting). This variant has been reported in >10 probands with a phenotype consistent with HHT (PS4; PMID: 19767588, 34872578, 16690726, 34880085, 15517393, 25970827, 29171923, 32573726, 21158752, Internal lab contributors). At least one patient's phenotype meets Curacao Criteria for HHT, and sequencing and large deletion/duplication analysis was performed for ENG and ACVRL1, which is highly specific for HHT (PP4_Moderate; PMID: 19767588, 21158752). The variant has been reported to segregate with HHT in 3 affected meioses from 2 families (PP1; PMID: 19767588, 34872578). The computational predictor REVEL gives a score of 0.202, which is neither above nor below the thresholds predicting a damaging or benign impact on ENG function. However, RT-PCR analysis of cDNA demonstrated that the variant impacts splicing by leading to exon 7 skipping (PS3; PMID: 16690726). In summary, this variant meets the criteria to be classified as pathogenic for autosomal dominant hereditary hemorrhagic telangiectasia based on the ACMG/AMP criteria applied, as specified by the ClinGen Hereditary Hemorrhagic Telangiectasia Variant Curation Expert Panel: PS3, PS4, PP4_Moderate, PP1, PM2_Supporting (specification version 1.0.0; 1/4/2024).

Labcorp Genetics (formerly Invitae), Labcorp
Classification: Pathogenic for Hereditary hemorrhagic telangiectasia. Last evaluated: 2025-12-29. Review status: criteria provided, single submitter. Criteria: Invitae Variant Classification Sherloc (09022015). Collection method: clinical testing. Allele origin: germline. Not counted in ClinVar's aggregate classification.
Comment: This sequence change replaces glycine, which is neutral and non-polar, with serine, which is neutral and polar, at codon 331 of the ENG protein (p.Gly331Ser). This variant also falls at the last nucleotide of exon 7, which is part of the consensus splice site for this exon. This variant is not present in population databases (gnomAD no frequency). This missense change has been observed in individuals with hereditary hemorrhagic telangiectasia (HHT) and brain arteriovenous malformations (BAVM) (PMID: 15517393, 16690726, 19767588, 22991266, 24196379, 25970827). ClinVar contains an entry for this variant (Variation ID: 407115). An algorithm developed to predict the effect of missense changes on protein structure and function (PolyPhen-2) suggests that this variant is likely to be disruptive. Variants that disrupt the consensus splice site are a relatively common cause of aberrant splicing (PMID: 17576681, 9536098). For these reasons, this variant has been classified as Pathogenic.

Ambry Genetics
Classification: Pathogenic for Cardiovascular phenotype. Last evaluated: 2025-08-15. Review status: criteria provided, single submitter. Criteria: Ambry Variant Classification Scheme 2023. Collection method: clinical testing. Allele origin: germline. Not counted in ClinVar's aggregate classification.
Comment: The c.991G>A pathogenic mutation (also known as p.G331S), located in coding exon 7 of the ENG gene, results from a G to A substitution at nucleotide position 991. The glycine at codon 331 is replaced by serine, an amino acid with similar properties. However, this change occurs in the last base pair of coding exon 7, which makes it likely to have some effect on normal mRNA splicing. A functional study demonstrated that this mutation results in the skipping of coding exon 7 (Prigoda NL et al. J. Med. Genet., 2006 Sep;43:722-8). This mutation has been reported in multiple individuals with a clinical diagnosis of hereditary hemorrhagic telangiectasia (Letteboer TG et al. Hum. Genet., 2005 Jan;116:8-16; McDonald J et al. J Mol Diagn, 2009 Nov;11:569-75). This variant is considered to be rare based on population cohorts in the Genome Aggregation Database (gnomAD). This nucleotide position is highly conserved in available vertebrate species. Based on the supporting evidence, this alteration is interpreted as a disease-causing mutation.

ARUP Laboratories, Molecular Genetics and Genomics, ARUP Laboratories
Classification: Pathogenic for Telangiectasia, hereditary hemorrhagic, type 1. Last evaluated: 2025-07-10. Review status: criteria provided, single submitter. Criteria: ARUP Molecular Germline Variant Investigation Process 2024. Collection method: clinical testing. Allele origin: germline. Not counted in ClinVar's aggregate classification.
Comment: The ENG c.991G>A; p.Gly331Ser variant (rs1060501410) is published in the literature in individuals and families diagnosed with HHT (Bossler 2006, Gedge 2007, Letteboer 2005, McDonald 2009, Nishida 2012), and is reported in ClinVar (Variation ID: 407115), but is absent from the Genome Aggregation Database, indicating it is not a common polymorphism. This variant occurs in the last nucleotide of the exon, which is a highly conserved nucleotide, and computational algorithms (Alamut v.2.11) predict this variant results in altered mRNA splicing. In support of these predictions, a functional study shows this alteration leads to exon 7 skipping (Prigoda 2006). Based on available information, this variant is considered to be pathogenic. References: Bossler AD et al. Novel mutations in ENG and ACVRL1 identified in a series of 200 individuals undergoing clinical genetic testing for hereditary hemorrhagic telangiectasia (HHT): correlation of genotype with phenotype. Hum Mutat. 2006 Jul;27(7):667-75. PMID: 16752392. Gedge F et al. Clinical and analytical sensitivities in hereditary hemorrhagic telangiectasia testing and a report of de novo mutations. J Mol Diagn. 2007 Apr;9(2):258-65. PMID: 17384219. Letteboer TG et al. Hereditary hemorrhagic telangiectasia: ENG and ALK-1 mutations in Dutch patients. Hum Genet. 2005 Jan;116(1-2):8-16. PMID: 15517393. McDonald J et al. Multiple sequence variants in hereditary hemorrhagic telangiectasia cases: illustration of complexity in molecular diagnostic interpretation. J Mol Diagn. 2009 Nov;11(6):569-75. PMID: 19767588. Nishida T et al. Brain arteriovenous malformations associated with hereditary hemorrhagic telangiectasia: gene-phenotype correlations. Am J Med Genet A. 2012 Nov;158A(11):2829-34. PMID: 22991266. Prigoda NL et al. Hereditary haemorrhagic telangiectasia: mutation detection, test sensitivity and novel mutations. J Med Genet. 2006 Sep;43(9):722-8. PMID: 16690726.

Mayo Clinic Laboratories, Mayo Clinic
Classification: Pathogenic. Last evaluated: 2025-05-01. Review status: criteria provided, single submitter. Criteria: ACMG Guidelines, 2015. Collection method: clinical testing. Allele origin: germline. Observed: 6 variant alleles. Not counted in ClinVar's aggregate classification.
Comment: PP1, PP3, PP4_moderate, PM2_supporting, PS3, PS4

GeneDx
Classification: Pathogenic. Last evaluated: 2023-06-26. Review status: criteria provided, single submitter. Criteria: GeneDx Variant Classification Process June 2021. Collection method: clinical testing. Allele origin: germline. Affected: yes. Not counted in ClinVar's aggregate classification.
Comment: Not observed in large population cohorts (gnomAD); Functional studies and in silico splice prediction algorithms suggest that the c.991 G>A variant, which affects the last nucleotide of exon 7, damages the natural splice donor site for intron 7 and leads to skipping of exon 7 (Prigoda et al., 2006); In silico analysis supports that this missense variant has a deleterious effect on protein structure/function; This variant is associated with the following publications: (PMID: 24196379, 19767588, 15517393, 25970827, 16752392, 17384219, 29171923, 22991266, 16690726, 26582918, 34880085, 34872578, 32573726)

Blueprint Genetics
Classification: Pathogenic for ENG-related disorders. Last evaluated: 2022-07-06. Review status: criteria provided, single submitter. Criteria: ACMG Guidelines, 2015. Collection method: clinical testing. Allele origin: germline. Affected: yes. Observed: 5 variant alleles. Not counted in ClinVar's aggregate classification.

MGZ Medical Genetics Center
Classification: Likely pathogenic for Telangiectasia, hereditary hemorrhagic, type 1. Last evaluated: 2021-07-22. Review status: criteria provided, single submitter. Criteria: ACMG Guidelines, 2015. Collection method: clinical testing. Allele origin: germline. Affected: yes. Observed: 1 variant allele. Not counted in ClinVar's aggregate classification.
Comment: ACMG criteria applied: PS3, PS4_MOD, PM2_SUP, PP1

CeGaT Center for Human Genetics Tuebingen
Classification: Pathogenic. Last evaluated: 2021-06-01. Review status: criteria provided, single submitter. Criteria: CeGaT Center For Human Genetics Tuebingen Variant Classification Criteria Version 2. Collection method: clinical testing. Allele origin: germline. Affected: yes. Observed: 1 variant allele. Not counted in ClinVar's aggregate classification.

NM_001114753.3(ENG):c.991G>A (p.Gly331Ser)

Gene: ENG (endoglin; minus strand). Cytogenetic location: 9q34.11.
Variant type: single nucleotide variant.
Coding change: c.991G>A on transcript NM_001114753.3 (MANE Select); coding-DNA position 991, G replaced by A.
Protein change: p.Gly331Ser; replaces glycine 331 with serine.
Molecular consequence: missense variant.
Genome position (GRCh38, 1-based): chr9:127,824,800, C>T on the plus strand (G>A on the coding strand, the complement: ENG is on the minus strand). VCF-style: chr9-127824800-C-T. GRCh37 (hg19) VCF-style: chr9-130587079-C-T.
Other names: NM_001114753.3(ENG):c.991G>A; c.991G>A, p.Gly331Ser (NM_000118.4, NM_001406715.1); c.445G>A, p.Gly149Ser (NM_001278138.2); c.991G>A (NM_001114753.1); short protein forms G331S, G149S.
Identifiers: ClinVar variation 407115 (VCV000407115.75), dbSNP rs1060501410, ClinGen allele CA16612528.